The following is an entry in ClinVar:

NM_003482.4(KMT2D):c.15016G>A (p.Glu5006Lys)

Gene: KMT2D (lysine methyltransferase 2D; minus strand). Cytogenetic location: 12q13.12.
Variant type: single nucleotide variant.
Coding change: c.15016G>A on transcript NM_003482.4 (MANE Select); coding-DNA position 15016, G replaced by A.
Protein change: p.Glu5006Lys; replaces glutamic acid 5006 with lysine.
Molecular consequence: missense variant.
Genome position (GRCh38, 1-based): chr12:49,026,950, C>T on the plus strand (G>A on the coding strand, the complement: KMT2D is on the minus strand). VCF-style: chr12-49026950-C-T. GRCh37 (hg19) VCF-style: chr12-49420733-C-T.
Other names: short protein forms E5006K.
Identifiers: ClinVar variation 3616097 (VCV003616097.2).

ClinVar aggregate classification (germline): Uncertain significance (1 of 4 stars; one submission).

Conditions:
Kabuki syndrome. Also called: NIIKAWA-KUROKI SYNDROME; Kabuki make-up syndrome. Identifiers: Orphanet 2322, MedGen C0796004, MONDO:0016512.

gnomAD v4.1: 2 of 1,614,028 alleles (0.00012%); highest among the groups gnomAD compares: Non-Finnish European, 0.00017%; no homozygotes.

Submission:

Labcorp Genetics (formerly Invitae), Labcorp
Classification: Uncertain significance for Kabuki syndrome. Last evaluated: 2025-01-14. Review status: criteria provided, single submitter. Criteria: Invitae Variant Classification Sherloc (09022015). Collection method: clinical testing. Allele origin: germline.
Comment: This sequence change replaces glutamic acid, which is acidic and polar, with lysine, which is basic and polar, at codon 5006 of the KMT2D protein (p.Glu5006Lys). This variant is not present in population databases (gnomAD no frequency). This variant has not been reported in the literature in individuals affected with KMT2D-related conditions. Invitae Evidence Modeling of protein sequence and biophysical properties (such as structural, functional, and spatial information, amino acid conservation, physicochemical variation, residue mobility, and thermodynamic stability) indicates that this missense variant is not expected to disrupt KMT2D protein function with a negative predictive value of 95%. In summary, the available evidence is currently insufficient to determine the role of this variant in disease. Therefore, it has been classified as a Variant of Uncertain Significance.